The following is an entry in ClinVar:

ClinVar aggregate classification (germline): Uncertain significance. Review status: criteria provided, multiple submitters, no conflicts (2 of 4 stars). 2 submissions from 2 submitters: Uncertain significance (2). Last evaluated 2024-07-14.

Conditions:
Hereditary cancer-predisposing syndrome. Also called: Neoplastic Syndromes, Hereditary; Tumor predisposition; Hereditary Cancer Syndrome; Hereditary neoplastic syndrome. Identifiers: Orphanet 140162, MedGen C0027672, MeSH D009386, MONDO:0015356.

Submissions (2):

Ambry Genetics
Classification: Uncertain significance for Hereditary cancer-predisposing syndrome. Last evaluated: 2024-07-14. Review status: criteria provided, single submitter. Criteria: Ambry Variant Classification Scheme 2023. Collection method: clinical testing. Allele origin: germline.
Comment: The p.A1606T variant (also known as c.4816G>A), located in coding exon 15 of the APC gene, results from a G to A substitution at nucleotide position 4816. The alanine at codon 1606 is replaced by threonine, an amino acid with similar properties. This amino acid position is conserved. In addition, in silico predictors for this gene do not accurately predict pathogenicity. Based on the available evidence, the clinical significance of this variant remains unclear.

Color Diagnostics, LLC DBA Color Health
Classification: Uncertain significance for Hereditary cancer-predisposing syndrome. Last evaluated: 2023-12-04. Review status: criteria provided, single submitter. Criteria: ACMG Guidelines, 2015. Collection method: clinical testing. Allele origin: germline.
Comment: This missense variant replaces alanine with threonine at codon 1606 of the APC protein. Computational prediction suggests that this variant may not impact protein structure and function (internally defined REVEL score threshold <= 0.5, PMID: 27666373). To our knowledge, functional studies have not been reported for this variant. This variant has not been reported in individuals affected with APC-related disorders in the literature. This variant has not been identified in the general population by the Genome Aggregation Database (gnomAD). The available evidence is insufficient to determine the role of this variant in disease conclusively. Therefore, this variant is classified as a Variant of Uncertain Significance.

NM_000038.6(APC):c.4816G>A (p.Ala1606Thr)

Gene: APC (APC regulator of Wnt signaling pathway; plus strand). Cytogenetic location: 5q22.2.
Variant type: single nucleotide variant.
Coding change: c.4816G>A on transcript NM_000038.6 (MANE Select); coding-DNA position 4816, G replaced by A.
Protein change: p.Ala1606Thr; replaces alanine 1606 with threonine.
Molecular consequence: missense variant.
Genome position (GRCh38, 1-based): chr5:112,840,410, G>A. VCF-style: chr5-112840410-G-A. GRCh37 (hg19) VCF-style: chr5-112176107-G-A.
Other names: c.4816G>A, p.Ala1606Thr (NM_001127510.3, NM_001354895.2); c.4762G>A, p.Ala1588Thr (NM_001127511.3); c.4870G>A, p.Ala1624Thr (NM_001354896.2); c.4846G>A, p.Ala1616Thr (NM_001354897.2); c.4741G>A, p.Ala1581Thr (NM_001354898.2); c.4732G>A, p.Ala1578Thr (NM_001354899.2); c.4693G>A, p.Ala1565Thr (NM_001354900.2); c.4639G>A, p.Ala1547Thr (NM_001354901.2); and 5 more; short protein forms A1323T, A1565T, A1606T, A1505T, A1581T, A1616T, A1480T, A1515T.
Identifiers: ClinVar variation 922977 (VCV000922977.5), dbSNP rs1580652981, ClinGen allele CA16031882.